The following is an entry in ClinVar:

NM_005228.5(EGFR):c.940G>A (p.Asp314Asn)

Gene: EGFR (epidermal growth factor receptor; plus strand). Cytogenetic location: 7p11.2.
Variant type: single nucleotide variant.
Coding change: c.940G>A on transcript NM_005228.5 (MANE Select); coding-DNA position 940, G replaced by A.
Protein change: p.Asp314Asn; replaces aspartic acid 314 with asparagine.
Molecular consequence: missense variant.
Genome position (GRCh38, 1-based): chr7:55,155,880, G>A. VCF-style: chr7-55155880-G-A. GRCh37 (hg19) VCF-style: chr7-55223573-G-A.
Other names: c.940G>A (NM_005228.3); c.805G>A, p.Asp269Asn (NM_001346897.2, NM_001346899.2); c.940G>A, p.Asp314Asn (NM_001346898.2, NM_201282.2, NM_201283.2 and 1 more transcripts); c.781G>A, p.Asp261Asn (NM_001346900.2); c.139G>A, p.Asp47Asn (NM_001346941.2); short protein forms D47N, D261N, D269N, D314N.
Identifiers: ClinVar variation 1440221 (VCV001440221.9), dbSNP rs552062864, ClinGen allele CA158913491.

ClinVar aggregate classification (germline): Uncertain significance. Review status: criteria provided, multiple submitters, no conflicts (2 of 4 stars). 2 submissions from 2 submitters: Uncertain significance (2). Last evaluated 2025-04-07.

Conditions:
Hereditary cancer-predisposing syndrome. Also called: Neoplastic Syndromes, Hereditary; Hereditary Cancer Syndrome; Hereditary neoplastic syndrome; Tumor predisposition. Identifiers: Orphanet 140162, MedGen C0027672, MeSH D009386, MONDO:0015356.
EGFR-related lung cancer (EGFR). Identifiers: MedGen CN130014.

Allele frequency attached by ClinVar (database versions not stated): gnomAD exomes below 0.00001; 1000 Genomes Project 30x 0.00016; 1000 Genomes Project 0.00020.
gnomAD v4.1: 4 of 1,614,024 alleles (0.00025%); highest among the groups gnomAD compares: African/African-American, 0.0027%; no homozygotes.

Submissions (2):

Labcorp Genetics (formerly Invitae), Labcorp
Classification: Uncertain significance for EGFR-related lung cancer. Last evaluated: 2025-04-07. Review status: criteria provided, single submitter. Criteria: Invitae Variant Classification Sherloc (09022015). Collection method: clinical testing. Allele origin: germline.
Comment: This sequence change replaces aspartic acid, which is acidic and polar, with asparagine, which is neutral and polar, at codon 314 of the EGFR protein (p.Asp314Asn). This variant is not present in population databases (gnomAD no frequency). This variant has not been reported in the literature in individuals affected with EGFR-related conditions. ClinVar contains an entry for this variant (Variation ID: 1440221). Invitae Evidence Modeling of protein sequence and biophysical properties (such as structural, functional, and spatial information, amino acid conservation, physicochemical variation, residue mobility, and thermodynamic stability) indicates that this missense variant is not expected to disrupt EGFR protein function with a negative predictive value of 80%. In summary, the available evidence is currently insufficient to determine the role of this variant in disease. Therefore, it has been classified as a Variant of Uncertain Significance.

Ambry Genetics
Classification: Uncertain significance for Hereditary cancer-predisposing syndrome. Last evaluated: 2025-02-21. Review status: criteria provided, single submitter. Criteria: Ambry Variant Classification Scheme 2023. Collection method: clinical testing. Allele origin: germline.
Comment: The p.D314N variant (also known as c.940G>A), located in coding exon 8 of the EGFR gene, results from a G to A substitution at nucleotide position 940. The aspartic acid at codon 314 is replaced by asparagine, an amino acid with highly similar properties. This amino acid position is conserved. In addition, this alteration is predicted to be tolerated by in silico analysis. Based on the available evidence, the clinical significance of this variant remains unclear.